The following is an entry in ClinVar:

ClinVar aggregate classification (germline): Uncertain significance (1 of 4 stars; one submission).

Conditions:
Aicardi-Goutieres syndrome 7 (AGS7). Identifiers: Orphanet 51, MedGen C3888244, MONDO:0014367, OMIM 615846.
Singleton-Merten syndrome 1 (SGMRT1). Also called: Widened medullary cavities of bone, aortic calcification, abnormal dentition, and muscular weakness; Syndrome of widened medullary cavities of the metacarpals and phalanges, aortic calcification and abnormal dentition. Identifiers: Orphanet 85191, MedGen C4225427, MONDO:0024535, OMIM 182250.

Submission:

Labcorp Genetics (formerly Invitae), Labcorp
Classification: Uncertain significance for Aicardi-Goutieres syndrome 7; Singleton-Merten syndrome 1. Last evaluated: 2025-02-19. Review status: criteria provided, single submitter. Criteria: Invitae Variant Classification Sherloc (09022015). Collection method: clinical testing. Allele origin: germline.
Comment: This sequence change falls in intron 7 of the IFIH1 gene. It does not directly change the encoded amino acid sequence of the IFIH1 protein. It affects a nucleotide within the consensus splice site. This variant is not present in population databases (gnomAD no frequency). This variant has not been reported in the literature in individuals affected with IFIH1-related conditions. ClinVar contains an entry for this variant (Variation ID: 2943553). Variants that disrupt the consensus splice site are a relatively common cause of aberrant splicing (PMID: 17576681, 9536098). Algorithms developed to predict the effect of sequence changes on RNA splicing suggest that this variant may disrupt the consensus splice site. In summary, the available evidence is currently insufficient to determine the role of this variant in disease. Therefore, it has been classified as a Variant of Uncertain Significance.

Literature cited by the submitters: PubMed 17576681; PubMed 9536098.

NM_022168.4(IFIH1):c.1524+5G>C

Gene: IFIH1 (interferon induced with helicase C domain 1; minus strand). Cytogenetic location: 2q24.2.
Variant type: single nucleotide variant.
Coding change: c.1524+5G>C on transcript NM_022168.4 (MANE Select); 5 bases into the intron after coding-DNA position 1524, G replaced by C.
Molecular consequence: intron variant.
Genome position (GRCh38, 1-based): chr2:162,281,323, C>G on the plus strand (G>C on the coding strand, the complement: IFIH1 is on the minus strand). VCF-style: chr2-162281323-C-G. GRCh37 (hg19) VCF-style: chr2-163137833-C-G.
Identifiers: ClinVar variation 2943553 (VCV002943553.3), dbSNP rs2468964010, ClinGen allele CA2740095778.